The following is an entry in ClinVar:

ClinVar aggregate classification (germline): Uncertain significance (1 of 4 stars; one submission).

Allele frequency attached by ClinVar (database versions not stated): TOPMed below 0.00001; gnomAD 0.00001.
gnomAD v4.1: 2 of 1,605,812 alleles (0.00012%); highest among the groups gnomAD compares: Admixed American, 0.0017%; no homozygotes.

Submission:

Labcorp Genetics (formerly Invitae), Labcorp
Classification: Uncertain significance. Last evaluated: 2024-10-24. Review status: criteria provided, single submitter. Criteria: Invitae Variant Classification Sherloc (09022015). Collection method: clinical testing. Allele origin: germline.
Comment: This sequence change replaces aspartic acid, which is acidic and polar, with valine, which is neutral and non-polar, at codon 442 of the EIF2AK2 protein (p.Asp442Val). This variant is present in population databases (no rsID available, gnomAD 0.003%). This variant has not been reported in the literature in individuals affected with EIF2AK2-related conditions. An algorithm developed to predict the effect of missense changes on protein structure and function (PolyPhen-2) suggests that this variant is likely to be disruptive. In summary, the available evidence is currently insufficient to determine the role of this variant in disease. Therefore, it has been classified as a Variant of Uncertain Significance.

NM_001135651.3(EIF2AK2):c.1325A>T (p.Asp442Val)

Gene: EIF2AK2 (eukaryotic translation initiation factor 2 alpha kinase 2; minus strand). Cytogenetic location: 2p22.2.
Variant type: single nucleotide variant.
Coding change: c.1325A>T on transcript NM_001135651.3 (MANE Select); coding-DNA position 1325, A replaced by T.
Protein change: p.Asp442Val; replaces aspartic acid 442 with valine.
Molecular consequence: missense variant.
Genome position (GRCh38, 1-based): chr2:37,114,783, T>A on the plus strand (A>T on the coding strand, the complement: EIF2AK2 is on the minus strand). VCF-style: chr2-37114783-T-A. GRCh37 (hg19) VCF-style: chr2-37341926-T-A.
Other names: c.1202A>T, p.Asp401Val (NM_001135652.3); c.1325A>T, p.Asp442Val (NM_002759.4); short protein forms D401V, D442V.
Identifiers: ClinVar variation 2870134 (VCV002870134.3), dbSNP rs975022412, ClinGen allele CA346299507.
Genomic context (GRCh38, chr2:37,114,783, plus strand): 5'-GACCTTACCTGTTCTGGGCTCATGTATCGCAAAGTTCCCTTACTCCTTGTTCGCTTTCCA[T>A]CATTTTTCAGAGATGTTACAAGTCCAAAGTCTCCAATCTTTACTTGTTTTGTATCTACTA-3'
Protein context (NP_001129123.1, residues 432-452): DFGLVTSLKN[Asp442Val]GKRTRSKGTL